The following is an entry in ClinVar:

ClinVar aggregate classification (germline): Uncertain significance. Review status: criteria provided, multiple submitters, no conflicts (2 of 4 stars). 2 submissions from 2 submitters: Uncertain significance (2). Last evaluated 2025-07-18.

Conditions:
Hereditary cancer-predisposing syndrome. Also called: Hereditary neoplastic syndrome; Neoplastic Syndromes, Hereditary; Tumor predisposition; Hereditary Cancer Syndrome. Identifiers: Orphanet 140162, MedGen C0027672, MeSH D009386, MONDO:0015356.

Allele frequency attached by ClinVar (database versions not stated): TOPMed below 0.00001; gnomAD 0.00003.
gnomAD v4.1: 4 of 1,613,370 alleles (0.00025%); highest among the groups gnomAD compares: African/African-American, 0.0053%; no homozygotes.

Submissions (2):

Ambry Genetics
Classification: Uncertain significance for Hereditary cancer-predisposing syndrome. Last evaluated: 2025-07-18. Review status: criteria provided, single submitter. Criteria: Ambry Variant Classification Scheme 2023. Collection method: clinical testing. Allele origin: germline.
Comment: The p.I656M variant (also known as c.1968A>G), located in coding exon 14 of the MSH3 gene, results from an A to G substitution at nucleotide position 1968. The isoleucine at codon 656 is replaced by methionine, an amino acid with highly similar properties. This amino acid position is poorly conserved in available vertebrate species. In addition, this alteration is predicted to be tolerated by in silico analysis. Since supporting evidence is limited at this time, the clinical significance of this alteration remains unclear.

Labcorp Genetics (formerly Invitae), Labcorp
Classification: Uncertain significance. Last evaluated: 2024-05-15. Review status: criteria provided, single submitter. Criteria: Invitae Variant Classification Sherloc (09022015). Collection method: clinical testing. Allele origin: germline.
Comment: This sequence change replaces isoleucine, which is neutral and non-polar, with methionine, which is neutral and non-polar, at codon 656 of the MSH3 protein (p.Ile656Met). This variant is present in population databases (no rsID available, gnomAD 0.02%). This variant has not been reported in the literature in individuals affected with MSH3-related conditions. ClinVar contains an entry for this variant (Variation ID: 941303). Algorithms developed to predict the effect of missense changes on protein structure and function output the following: SIFT: "Not Available"; PolyPhen-2: "Benign"; Align-GVGD: "Not Available". The methionine amino acid residue is found in multiple mammalian species, which suggests that this missense change does not adversely affect protein function. In summary, the available evidence is currently insufficient to determine the role of this variant in disease. Therefore, it has been classified as a Variant of Uncertain Significance.

NM_002439.5(MSH3):c.1968A>G (p.Ile656Met)

Gene: MSH3 (mutS homolog 3; plus strand). Cytogenetic location: 5q14.1.
Variant type: single nucleotide variant.
Coding change: c.1968A>G on transcript NM_002439.5 (MANE Select); coding-DNA position 1968, A replaced by G.
Protein change: p.Ile656Met; replaces isoleucine 656 with methionine.
Molecular consequence: missense variant.
Genome position (GRCh38, 1-based): chr5:80,768,004, A>G. VCF-style: chr5-80768004-A-G. GRCh37 (hg19) VCF-style: chr5-80063823-A-G.
Other names: short protein forms I656M.
Identifiers: ClinVar variation 941303 (VCV000941303.13), dbSNP rs1237471725, ClinGen allele CA360277588.